The following is an entry in ClinVar:

NM_014991.6(WDFY3):c.6398C>T (p.Pro2133Leu)

Gene: WDFY3 (WD repeat and FYVE domain containing 3; minus strand). Cytogenetic location: 4q21.23.
Variant type: single nucleotide variant.
Coding change: c.6398C>T on transcript NM_014991.6 (MANE Select); coding-DNA position 6398, C replaced by T.
Protein change: p.Pro2133Leu; replaces proline 2133 with leucine.
Molecular consequence: missense variant.
Genome position (GRCh38, 1-based): chr4:84,740,253, G>A on the plus strand (C>T on the coding strand, the complement: WDFY3 is on the minus strand). VCF-style: chr4-84740253-G-A. GRCh37 (hg19) VCF-style: chr4-85661406-G-A.
Other names: short protein forms P2133L.
Identifiers: ClinVar variation 1027920 (VCV001027920.2), dbSNP rs1738169642, ClinGen allele CA357556120.

ClinVar aggregate classification (germline): Uncertain significance. Review status: criteria provided, multiple submitters, no conflicts (2 of 4 stars). 2 submissions from 2 submitters: Uncertain significance (2). Last evaluated 2024-04-01.

Conditions:
Microcephaly 18, primary, autosomal dominant (MCPH18). Identifiers: MedGen C4479608, MONDO:0054593, OMIM 617520.

Submissions (2):

Daryl Scott Lab, Baylor College of Medicine
Classification: Uncertain significance for Microcephaly 18, primary, autosomal dominant. Last evaluated: 2024-04-01. Review status: criteria provided, single submitter. Criteria: ACMG Guidelines, 2015. Collection method: clinical testing. Allele origin: unknown. Observed: 1 heterozygote.
Comment: PM2, PP3

Baylor Genetics
Classification: Uncertain significance for Microcephaly 18, primary, autosomal dominant. Last evaluated: 2020-02-05. Review status: criteria provided, single submitter. Criteria: ACMG Guidelines, 2015. Collection method: clinical testing. Allele origin: unknown. Affected: yes.
Comment: This variant was determined to be of uncertain significance according to ACMG Guidelines, 2015 [PMID:25741868].